The following is an entry in ClinVar:

ClinVar aggregate classification (germline): Uncertain significance (1 of 4 stars; one submission).

gnomAD v4.1: 1 of 1,614,112 alleles (0.000062%); highest among the groups gnomAD compares: Non-Finnish European, 0.000085%; no homozygotes.

Submission:

Labcorp Genetics (formerly Invitae), Labcorp
Classification: Uncertain significance. Last evaluated: 2022-02-04. Review status: criteria provided, single submitter. Criteria: Invitae Variant Classification Sherloc (09022015). Collection method: clinical testing. Allele origin: germline.
Comment: Algorithms developed to predict the effect of missense changes on protein structure and function are either unavailable or do not agree on the potential impact of this missense change (SIFT: "Deleterious"; PolyPhen-2: "Probably Damaging"; Align-GVGD: "Class C0"). In summary, the available evidence is currently insufficient to determine the role of this variant in disease. Therefore, it has been classified as a Variant of Uncertain Significance. This sequence change replaces asparagine, which is neutral and polar, with threonine, which is neutral and polar, at codon 511 of the SNRNP200 protein (p.Asn511Thr). This variant is not present in population databases (gnomAD no frequency). This missense change has been observed in individuals with retinitis pigmentosa (PMID: 33247286; Invitae).

Literature cited by the submitters: PubMed 33247286.

NM_014014.5(SNRNP200):c.1532A>C (p.Asn511Thr)

Gene: SNRNP200 (small nuclear ribonucleoprotein U5 subunit 200; minus strand). Cytogenetic location: 2q11.2.
Variant type: single nucleotide variant.
Coding change: c.1532A>C on transcript NM_014014.5 (MANE Select); coding-DNA position 1532, A replaced by C.
Protein change: p.Asn511Thr; replaces asparagine 511 with threonine.
Molecular consequence: missense variant.
Genome position (GRCh38, 1-based): chr2:96,296,675, T>G on the plus strand (A>C on the coding strand, the complement: SNRNP200 is on the minus strand). VCF-style: chr2-96296675-T-G. GRCh37 (hg19) VCF-style: chr2-96962413-T-G.
Other names: short protein forms N511T.
Identifiers: ClinVar variation 1481078 (VCV001481078.8), dbSNP rs2063919035, ClinGen allele CA347682357.